The following is an entry in ClinVar:

ClinVar aggregate classification (germline): Uncertain significance (1 of 4 stars; one submission).

gnomAD v4.1: 1 of 1,552,132 alleles (0.000064%); highest among the groups gnomAD compares: Non-Finnish European, 0.000087%; no homozygotes.

Submission:

Labcorp Genetics (formerly Invitae), Labcorp
Classification: Uncertain significance. Last evaluated: 2024-08-05. Review status: criteria provided, single submitter. Criteria: Invitae Variant Classification Sherloc (09022015). Collection method: clinical testing. Allele origin: germline.
Comment: This sequence change replaces serine, which is neutral and polar, with glycine, which is neutral and non-polar, at codon 537 of the ZSWIM6 protein (p.Ser537Gly). This variant is present in population databases (no rsID available, gnomAD 0.002%). This variant has not been reported in the literature in individuals affected with ZSWIM6-related conditions. ClinVar contains an entry for this variant (Variation ID: 2126563). An algorithm developed to predict the effect of missense changes on protein structure and function (PolyPhen-2) suggests that this variant is likely to be tolerated. In summary, the available evidence is currently insufficient to determine the role of this variant in disease. Therefore, it has been classified as a Variant of Uncertain Significance.

NM_020928.2(ZSWIM6):c.1609A>G (p.Ser537Gly)

Gene: ZSWIM6 (zinc finger SWIM-type containing 6; plus strand). Cytogenetic location: 5q12.1.
Variant type: single nucleotide variant.
Coding change: c.1609A>G on transcript NM_020928.2 (MANE Select); coding-DNA position 1609, A replaced by G.
Protein change: p.Ser537Gly; replaces serine 537 with glycine.
Molecular consequence: missense variant.
Genome position (GRCh38, 1-based): chr5:61,525,895, A>G. VCF-style: chr5-61525895-A-G. GRCh37 (hg19) VCF-style: chr5-60821722-A-G.
Other names: short protein forms S537G.
Identifiers: ClinVar variation 2126563 (VCV002126563.4), dbSNP rs1352809441, ClinGen allele CA359943448.